The following is an entry in ClinVar:

NM_006218.4(PIK3CA):c.1014T>G (p.Ile338Met)

Gene: PIK3CA (phosphatidylinositol-4,5-bisphosphate 3-kinase catalytic subunit alpha; plus strand). Cytogenetic location: 3q26.32.
Variant type: single nucleotide variant.
Coding change: c.1014T>G on transcript NM_006218.4 (MANE Select); coding-DNA position 1014, T replaced by G.
Protein change: p.Ile338Met; replaces isoleucine 338 with methionine.
Molecular consequence: missense variant.
Genome position (GRCh38, 1-based): chr3:179,203,744, T>G. VCF-style: chr3-179203744-T-G. GRCh37 (hg19) VCF-style: chr3-178921532-T-G.
Other names: short protein forms I338M.
Identifiers: ClinVar variation 2778389 (VCV002778389.3), dbSNP rs2108393200, ClinGen allele CA355281276.
Genomic context (GRCh38, chr3:179,203,744, plus strand): 5'-GAATGGAGAAACATCTACAAAATCCCTTTGGGTTATAAATAGTGCACTCAGAATAAAAAT[T>G]CTTTGTGCAACCTACGTGAATGTAAATATTCGAGACATTGATAAGGTAAAGTCAAATGCT-3'
Protein context (NP_006209.2, residues 328-348): WVINSALRIK[Ile338Met]LCATYVNVNI

ClinVar aggregate classification (germline): Uncertain significance (1 of 4 stars; one submission).

Conditions:
Cowden syndrome (CS). Also called: Cowden's disease; Cowden's syndrome; Cowden disease. Identifiers: Orphanet 201, MedGen C0018553, MONDO:0016063. Disease mechanism: gain of function.

Submission:

Labcorp Genetics (formerly Invitae), Labcorp
Classification: Uncertain significance for Cowden syndrome. Last evaluated: 2023-06-14. Review status: criteria provided, single submitter. Criteria: Invitae Variant Classification Sherloc (09022015). Collection method: clinical testing. Allele origin: germline.
Comment: This sequence change replaces isoleucine, which is neutral and non-polar, with methionine, which is neutral and non-polar, at codon 338 of the PIK3CA protein (p.Ile338Met). This variant is not present in population databases (gnomAD no frequency). This variant has not been reported in the literature in individuals affected with PIK3CA-related conditions. Advanced modeling of protein sequence and biophysical properties (such as structural, functional, and spatial information, amino acid conservation, physicochemical variation, residue mobility, and thermodynamic stability) has been performed at Invitae for this missense variant, however the output from this modeling did not meet the statistical confidence thresholds required to predict the impact of this variant on PIK3CA protein function. In summary, the available evidence is currently insufficient to determine the role of this variant in disease. Therefore, it has been classified as a Variant of Uncertain Significance.